The following is an entry in ClinVar:

NM_015215.4(CAMTA1):c.3658+13A>G

Gene: CAMTA1 (calmodulin binding transcription activator 1; plus strand). Cytogenetic location: 1p36.23.
Variant type: single nucleotide variant.
Coding change: c.3658+13A>G on transcript NM_015215.4 (MANE Select); 13 bases into the intron after coding-DNA position 3658, A replaced by G.
Molecular consequence: intron variant.
Genome position (GRCh38, 1-based): chr1:7,737,583, A>G. VCF-style: chr1-7737583-A-G. GRCh37 (hg19) VCF-style: chr1-7797643-A-G.
Other names: c.3658+13A>G (NM_001349609.2, NM_001349610.2, NM_001410737.1); c.3586+13A>G (NM_001410738.1); c.3568+13A>G (NM_001349608.2, NM_001349612.2); c.730+13A>G (NM_001349614.1, NM_001349620.1, NM_001349621.1 and 10 more transcripts); c.787+13A>G (NM_001349613.1).
Identifiers: ClinVar variation 2637701 (VCV002637701.1), dbSNP rs1415673856, ClinGen allele CA521019740.

ClinVar aggregate classification (germline): Likely benign (1 of 4 stars; one submission).

Allele frequency attached by ClinVar (database versions not stated): TOPMed below 0.00001; gnomAD 0.00001.
gnomAD v4.1: 2 of 1,592,710 alleles (0.00013%); highest among the groups gnomAD compares: African/African-American, 0.0027%; no homozygotes.

Submission:

Women's Health and Genetics/Laboratory Corporation of America, LabCorp
Classification: Likely benign. Last evaluated: 2023-10-12. Review status: criteria provided, single submitter. Criteria: LabCorp Variant Classification Summary - May 2015. Collection method: clinical testing. Allele origin: germline.
Comment: Variant summary: CAMTA1 c.3658+13A>G alters a nucleotide located at a position not widely known to affect splicing. Consensus agreement among computation tools predict no significant impact on normal splicing. However, these predictions have yet to be confirmed by functional studies. The variant was absent in 233982 control chromosomes (gnomAD). The available data on variant occurrences in the general population are insufficient to allow any conclusion about variant significance. To our knowledge, no occurrence of c.3658+13A>G in individuals affected with Nonprogressive Cerebellar Atxia With Intellectual Disability and no experimental evidence demonstrating its impact on protein function have been reported. No submitters have cited clinical-significance assessments for this variant to ClinVar after 2014. Based on the evidence outlined above, the variant was classified as likely benign.